The following is an entry in ClinVar:

ClinVar aggregate classification (germline): Uncertain significance. Review status: criteria provided, multiple submitters, no conflicts (2 of 4 stars). 2 submissions from 2 submitters: Uncertain significance (2). Last evaluated 2024-07-02.

Allele frequency attached by ClinVar (database versions not stated): ExAC 0.00001; gnomAD 0.00008 and 0.00009; TOPMed 0.00008.
gnomAD v4.1: 107 of 1,610,804 alleles (0.0066%); highest among the groups gnomAD compares: Non-Finnish European, 0.0086%; no homozygotes.

Submissions (2):

Ambry Genetics
Classification: Uncertain significance. Last evaluated: 2024-07-02. Review status: criteria provided, single submitter. Criteria: Ambry Variant Classification Scheme 2023. Collection method: clinical testing. Allele origin: germline.

Labcorp Genetics (formerly Invitae), Labcorp
Classification: Uncertain significance. Last evaluated: 2022-04-04. Review status: criteria provided, single submitter. Criteria: Invitae Variant Classification Sherloc (09022015). Collection method: clinical testing. Allele origin: germline.
Comment: This sequence change replaces leucine, which is neutral and non-polar, with phenylalanine, which is neutral and non-polar, at codon 163 of the CIB1 protein (p.Leu163Phe). This variant is present in population databases (rs767933367, gnomAD 0.004%). This variant has not been reported in the literature in individuals affected with CIB1-related conditions. Algorithms developed to predict the effect of missense changes on protein structure and function are either unavailable or do not agree on the potential impact of this missense change (SIFT: "Deleterious"; PolyPhen-2: "Not Available"; Align-GVGD: "Class C15"). In summary, the available evidence is currently insufficient to determine the role of this variant in disease. Therefore, it has been classified as a Variant of Uncertain Significance.

NM_006384.4(CIB1):c.369G>C (p.Leu123Phe)

Gene: CIB1 (calcium and integrin binding 1; minus strand). Cytogenetic location: 15q26.1.
Variant type: single nucleotide variant.
Coding change: c.369G>C on transcript NM_006384.4 (MANE Select); coding-DNA position 369, G replaced by C.
Protein change: p.Leu123Phe; replaces leucine 123 with phenylalanine.
Molecular consequence: missense variant. On other transcripts: non-coding transcript variant (2).
Genome position (GRCh38, 1-based): chr15:90,231,191, C>G on the plus strand (G>C on the coding strand, the complement: CIB1 is on the minus strand). VCF-style: chr15-90231191-C-G. GRCh37 (hg19) VCF-style: chr15-90774423-C-G.
Other names: c.489G>C, p.Leu163Phe (NM_001277764.2); c.369G>C (NM_006384.3); short protein forms L163F, L123F.
Identifiers: ClinVar variation 1470471 (VCV001470471.6), dbSNP rs767933367, ClinGen allele CA7734198.
Genomic context (GRCh38, chr15:90,231,191, plus strand): 5'-CCGTGTGTCCTCGCCCTCTCCCGTGAGGCAGTTCACCAGCCGGCTCAGGTCTTCTCTGTT[C>G]AAGGTTCCGTCATCATCAAAGTCTAGAGAGCAGACACAGGAAGCCAAAAGACACGGTTGG-3'
Protein context (NP_006375.2, residues 113-133): RIFDFDDDGT[Leu123Phe]NREDLSRLVN